The following is an entry in ClinVar:

NM_003742.4(ABCB11):c.2344-781C>A

Gene: ABCB11 (ATP binding cassette subfamily B member 11; minus strand). Cytogenetic location: 2q31.1.
Variant type: single nucleotide variant.
Coding change: c.2344-781C>A on transcript NM_003742.4 (MANE Select); 781 bases into the intron before coding-DNA position 2344, C replaced by A.
Molecular consequence: intron variant.
Genome position (GRCh38, 1-based): chr2:168,945,742, G>T on the plus strand (C>A on the coding strand, the complement: ABCB11 is on the minus strand). VCF-style: chr2-168945742-G-T. GRCh37 (hg19) VCF-style: chr2-169802252-G-T.
Identifiers: ClinVar variation 4846701 (VCV004846701.1).
Genomic context (GRCh38, chr2:168,945,742, plus strand): 5'-GAATCGAGATCTGGAAATGTTGTCTGGGACAAAACTCAAAGTTGTATTAATATTTTGACC[G>T]ATATCTTTCTCTATTACTAAATGAAAGAAAATATGACTTTCACTCAGGTAATTTGCCGGT-3'

ClinVar aggregate classification (germline): Benign (1 of 4 stars; one submission).

Conditions:
Familial intrahepatic cholestasis. Identifiers: Orphanet 284385, MedGen CN296401, MONDO:0017290.

gnomAD v4.1: 111,832 of 151,738 alleles (74%); highest among the groups gnomAD compares: East Asian, 96%; 41,915 homozygotes.

Submission:

Genomenon, Inc
Classification: Benign for Familial intrahepatic cholestasis. Last evaluated: 2026-04-14. Review status: criteria provided, single submitter. Criteria: Genomenon Sequence Variant Interpretation Standards - Updated. Collection method: curation. Allele origin: germline. Affected: no.
Comment: ABCB11 c.2344-781C>A is a deep intronic variant located in intron 19. This variant is present at high allele frequency in population databases. In conclusion, we classify ABCB11 c.2344-781C>A as a benign variant.